The following is an entry in ClinVar:

NM_000516.7(GNAS):c.-178_-171del

Genes: GNAS (GNAS complex locus; plus strand), LOC130066268 (ATAC-STARR-seq lymphoblastoid silent region 13083; plus strand). Cytogenetic location: 20q13.32.
Variant type: Deletion.
Coding change: c.-178_-171del on transcript NM_000516.7 (MANE Select); 178 bases upstream of the start codon through 171 bases upstream of the start codon, 8 bases deleted (CCGTCCGC; older notation c.-178_-171delCCGTCCGC).
Molecular consequence: 5 prime UTR variant. On other transcripts: intron variant (6).
Genome position (GRCh38, 1-based): chr20:58,891,549-58,891,556, CCGTCCGC deleted; deleting any 8 consecutive bases within chr20:58,891,545-58,891,556 gives the same sequence; the c. name uses the placement nearest the transcript's 3' end. VCF-style (leftmost placement, unchanged base first): chr20-58891544-CCCGCCCGT-C. GRCh37 (hg19) VCF-style: chr20-57466599-CCCGCCCGT-C.
Other names: c.-178_-171del (NM_001077488.5, NM_001077489.4, NM_001309842.2 and 1 more transcripts); c.*43-4063_*43-4056del (NM_016592.5); c.-38-4063_-38-4056del (NM_001309861.2); c.*1-4063_*1-4056del (NM_001077490.3); c.2069-4063_2069-4056del (NM_080425.4); c.*159-4063_*159-4056del (NM_001309883.1); c.-39+2196_-39+2203del (NM_001309840.2).
Identifiers: ClinVar variation 591741 (VCV000591741.25), dbSNP rs1420599206, ClinGen allele CA636225006.

ClinVar aggregate classification (germline): Benign. Review status: criteria provided, single submitter (1 of 4 stars). 2 submissions from 2 submitters: Benign (1). 1 of the submissions does not count toward it. Last evaluated 2022-12-01.

Submissions (2):

CeGaT Center for Human Genetics Tuebingen
Classification: Benign. Last evaluated: 2022-12-01. Review status: criteria provided, single submitter. Criteria: CeGaT Center For Human Genetics Tuebingen Variant Classification Criteria Version 2. Collection method: clinical testing. Allele origin: germline. Affected: yes. Observed: 4 variant alleles.
Comment: GNAS: BS1, BS2

Gharavi Laboratory, Columbia University
Classification: Uncertain significance. Last evaluated: 2018-09-16. Review status: no assertion criteria provided. Criteria: ACMG Guidelines, 2015. Collection method: research. Allele origin: germline. Affected: yes. Not counted in ClinVar's aggregate classification.